The following is an entry in ClinVar:

NM_014908.4(DOLK):c.610G>A (p.Val204Ile)

Gene: DOLK (dolichol kinase; minus strand). Cytogenetic location: 9q34.11.
Variant type: single nucleotide variant.
Coding change: c.610G>A on transcript NM_014908.4 (MANE Select); coding-DNA position 610, G replaced by A.
Protein change: p.Val204Ile; replaces valine 204 with isoleucine.
Molecular consequence: missense variant.
Genome position (GRCh38, 1-based): chr9:128,946,694, C>T on the plus strand (G>A on the coding strand, the complement: DOLK is on the minus strand). VCF-style: chr9-128946694-C-T. GRCh37 (hg19) VCF-style: chr9-131708973-C-T.
Other names: short protein forms V204I.
Identifiers: ClinVar variation 3842090 (VCV003842090.1).
Genomic context (GRCh38, chr9:128,946,694, plus strand): 5'-CCACTGGGTCCCCCTGACTTTCCACCAGTGTCAGAGAGCGCTTGATGAGCTGGTTGAGGA[C>T]AAAGCTAATGCCACCCAATACCAGCAGTGCCTCACCAGGGGTGAAGCAGCGGGGCAGCAG-3'
Protein context (NP_055723.1, residues 194-214): ALLVLGGISF[Val204Ile]LNQLIKRSLT

ClinVar aggregate classification (germline): Uncertain significance (1 of 4 stars; one submission).

Conditions:
Cardiovascular phenotype. Identifiers: MedGen CN230736.

Submission:

Ambry Genetics
Classification: Uncertain significance for Cardiovascular phenotype. Last evaluated: 2025-02-01. Review status: criteria provided, single submitter. Criteria: Ambry Variant Classification Scheme 2023. Collection method: clinical testing. Allele origin: germline.
Comment: The p.V204I variant (also known as c.610G>A), located in coding exon 1 of the DOLK gene, results from a G to A substitution at nucleotide position 610. The valine at codon 204 is replaced by isoleucine, an amino acid with highly similar properties. This amino acid position is conserved. In addition, this alteration is predicted to be tolerated by in silico analysis. Based on the available evidence, the clinical significance of this variant remains unclear.